The following is an entry in ClinVar:

NM_015335.5(MED13L):c.3938T>G (p.Leu1313Arg)

Gene: MED13L (mediator complex subunit 13L; minus strand). Cytogenetic location: 12q24.21.
Variant type: single nucleotide variant.
Coding change: c.3938T>G on transcript NM_015335.5 (MANE Select); coding-DNA position 3938, T replaced by G.
Protein change: p.Leu1313Arg; replaces leucine 1313 with arginine.
Molecular consequence: missense variant.
Genome position (GRCh38, 1-based): chr12:115,987,285, A>C on the plus strand (T>G on the coding strand, the complement: MED13L is on the minus strand). VCF-style: chr12-115987285-A-C. GRCh37 (hg19) VCF-style: chr12-116425090-A-C.
Other names: short protein forms L1313R.
Identifiers: ClinVar variation 1312632 (VCV001312632.2), dbSNP rs759773785, ClinGen allele CA6810894.

ClinVar aggregate classification (germline): Uncertain significance (1 of 4 stars; one submission).

Allele frequency attached by ClinVar (database versions not stated): gnomAD exomes below 0.00001; ExAC 0.00001.
gnomAD v4.1: 1 of 1,612,638 alleles (0.000062%); highest among the groups gnomAD compares: Non-Finnish European, 0.000085%; no homozygotes.

Submission:

GeneDx
Classification: Uncertain significance. Last evaluated: 2020-04-24. Review status: criteria provided, single submitter. Criteria: GeneDx Variant Classification Process June 2021. Collection method: clinical testing. Allele origin: germline. Affected: yes.
Comment: In silico analysis supports that this missense variant does not alter protein structure/function; Has not been previously published as pathogenic or benign to our knowledge